The following is an entry in ClinVar:

ClinVar aggregate classification (germline): Uncertain significance. Review status: criteria provided, multiple submitters, no conflicts (2 of 4 stars). 3 submissions from 3 submitters: Uncertain significance (3). Last evaluated 2024-07-25.

Conditions:
Hereditary cancer-predisposing syndrome. Also called: Tumor predisposition; Neoplastic Syndromes, Hereditary; Hereditary Cancer Syndrome; Hereditary neoplastic syndrome. Identifiers: Orphanet 140162, MedGen C0027672, MeSH D009386, MONDO:0015356.

Allele frequency attached by ClinVar (database versions not stated): gnomAD exomes below 0.00001; ESP Exome Variant Server 0.00008.

Submissions (3):

Ambry Genetics
Classification: Uncertain significance for Hereditary cancer-predisposing syndrome. Last evaluated: 2024-07-25. Review status: criteria provided, single submitter. Criteria: Ambry Variant Classification Scheme 2023. Collection method: clinical testing. Allele origin: germline.
Comment: The p.T159I variant (also known as c.476C>T), located in coding exon 6 of the POLE gene, results from a C to T substitution at nucleotide position 476. The threonine at codon 159 is replaced by isoleucine, an amino acid with similar properties. This amino acid position is conserved. In addition, the in silico prediction for this alteration is inconclusive. Based on the available evidence, the clinical significance of this variant remains unclear.

Labcorp Genetics (formerly Invitae), Labcorp
Classification: Uncertain significance. Last evaluated: 2021-09-23. Review status: criteria provided, single submitter. Criteria: Invitae Variant Classification Sherloc (09022015). Collection method: clinical testing. Allele origin: germline.
Comment: This sequence change replaces threonine with isoleucine at codon 159 of the POLE protein (p.Thr159Ile). The threonine residue is moderately conserved and there is a moderate physicochemical difference between threonine and isoleucine. This variant is not present in population databases (ExAC no frequency). This variant has not been reported in the literature in individuals affected with POLE-related conditions. Algorithms developed to predict the effect of missense changes on protein structure and function are either unavailable or do not agree on the potential impact of this missense change (SIFT: "Deleterious"; PolyPhen-2: "Possibly Damaging"; Align-GVGD: "Class C0"). In summary, the available evidence is currently insufficient to determine the role of this variant in disease. Therefore, it has been classified as a Variant of Uncertain Significance.

GeneDx
Classification: Uncertain significance. Last evaluated: 2020-01-14. Review status: criteria provided, single submitter. Criteria: GeneDx Variant Classification Process June 2021. Collection method: clinical testing. Allele origin: germline. Affected: yes.
Comment: Not observed at a significant frequency in large population cohorts (Lek et al., 2016); In silico analysis, which includes protein predictors and evolutionary conservation, supports a deleterious effect; Has not been previously published as pathogenic or benign to our knowledge

NM_006231.4(POLE):c.476C>T (p.Thr159Ile)

Gene: POLE (DNA polymerase epsilon, catalytic subunit; minus strand). Cytogenetic location: 12q24.33.
Variant type: single nucleotide variant.
Coding change: c.476C>T on transcript NM_006231.4 (MANE Select); coding-DNA position 476, C replaced by T.
Protein change: p.Thr159Ile; replaces threonine 159 with isoleucine.
Molecular consequence: missense variant.
Genome position (GRCh38, 1-based): chr12:132,679,599, G>A on the plus strand (C>T on the coding strand, the complement: POLE is on the minus strand). VCF-style: chr12-132679599-G-A. GRCh37 (hg19) VCF-style: chr12-133256185-G-A.
Other names: short protein forms T159I.
Identifiers: ClinVar variation 1312728 (VCV001312728.9), dbSNP rs150083426, ClinGen allele CA246301935.